The following is an entry in ClinVar:

ClinVar aggregate classification (germline): Conflicting classifications of pathogenicity. Review status: criteria provided, conflicting classifications (1 of 4 stars). 4 submissions from 4 submitters: Uncertain significance (2); Likely benign (2). Last evaluated 2025-11-08.

Conditions:
Inborn genetic diseases. Identifiers: MedGen C0950123, MeSH D030342.
Senior-Loken syndrome 9 (SLSN9). Identifiers: Orphanet 3156, MedGen C4225263, MONDO:0014712, OMIM 616629.

Allele frequency attached by ClinVar (database versions not stated): 1000 Genomes Project 30x 0.00062; gnomAD 0.00009 and 0.00005; 1000 Genomes Project 0.00080; TOPMed 0.00002; gnomAD exomes 0.00006; ExAC 0.00007.
gnomAD v4.1: 34 of 1,613,872 alleles (0.0021%); highest among the groups gnomAD compares: East Asian, 0.056%; no homozygotes.

Submissions (4):

Ambry Genetics
Classification: Likely benign for Inborn genetic diseases. Last evaluated: 2025-11-08. Review status: criteria provided, single submitter. Criteria: Ambry Variant Classification Scheme 2023. Collection method: clinical testing. Allele origin: germline.

Mayo Clinic Laboratories, Mayo Clinic
Classification: Uncertain significance. Last evaluated: 2024-09-24. Review status: criteria provided, single submitter. Criteria: ACMG Guidelines, 2015. Collection method: clinical testing. Allele origin: germline. Observed: 1 variant allele.
Comment: BP4, PM2

3billion
Classification: Likely benign for Senior-Loken syndrome 9. Last evaluated: 2024-09-20. Review status: criteria provided, single submitter. Criteria: ACMG Guidelines, 2015. Collection method: clinical testing. Allele origin: germline. Affected: no.
Comment: The homozygous variant was found in patients diagnosed with another variant in a different gene, with no symptoms related to the gene containing the homozygous variant.

Labcorp Genetics (formerly Invitae), Labcorp
Classification: Uncertain significance. Last evaluated: 2022-01-31. Review status: criteria provided, single submitter. Criteria: Invitae Variant Classification Sherloc (09022015). Collection method: clinical testing. Allele origin: germline.
Comment: This sequence change replaces serine, which is neutral and polar, with proline, which is neutral and non-polar, at codon 146 of the TRAF3IP1 protein (p.Ser146Pro). This variant is present in population databases (rs190577993, gnomAD 0.07%). This variant has not been reported in the literature in individuals affected with TRAF3IP1-related conditions. ClinVar contains an entry for this variant (Variation ID: 1054876). Algorithms developed to predict the effect of missense changes on protein structure and function output the following: SIFT: "Tolerated"; PolyPhen-2: "Possibly Damaging"; Align-GVGD: "Class C0". The proline amino acid residue is found in multiple mammalian species, which suggests that this missense change does not adversely affect protein function. In summary, the available evidence is currently insufficient to determine the role of this variant in disease. Therefore, it has been classified as a Variant of Uncertain Significance.

NM_015650.4(TRAF3IP1):c.436T>C (p.Ser146Pro)

Gene: TRAF3IP1 (TRAF3 interacting protein 1; plus strand). Cytogenetic location: 2q37.3.
Variant type: single nucleotide variant.
Coding change: c.436T>C on transcript NM_015650.4 (MANE Select); coding-DNA position 436, T replaced by C.
Protein change: p.Ser146Pro; replaces serine 146 with proline.
Molecular consequence: missense variant.
Genome position (GRCh38, 1-based): chr2:238,328,767, T>C. VCF-style: chr2-238328767-T-C. GRCh37 (hg19) VCF-style: chr2-239237408-T-C.
Other names: p.Ser146Pro; c.436T>C (NM_015650.3); c.436T>C, p.Ser146Pro (NM_001139490.1); short protein forms S146P.
Identifiers: ClinVar variation 1054876 (VCV001054876.9), dbSNP rs190577993, ClinGen allele CA2198063.